The following is an entry in ClinVar:

ClinVar aggregate classification (germline): Uncertain significance (1 of 4 stars; one submission).

Conditions:
Long QT syndrome (LQTS). Identifiers: MedGen C0023976, MeSH D008133, MONDO:0002442. Disease mechanism: loss of function. Inheritance: Various modes of inheritance.

Submission:

Labcorp Genetics (formerly Invitae), Labcorp
Classification: Uncertain significance for Long QT syndrome. Last evaluated: 2019-05-09. Review status: criteria provided, single submitter. Criteria: Invitae Variant Classification Sherloc (09022015). Collection method: clinical testing. Allele origin: germline.
Comment: In summary, the available evidence is currently insufficient to determine the role of this variant in disease. Therefore, it has been classified as a Variant of Uncertain Significance. Algorithms developed to predict the effect of missense changes on protein structure and function do not agree on the potential impact of this missense change (SIFT: "Tolerated"; PolyPhen-2: "Possibly Damaging"; Align-GVGD: "Class C0"). This variant has not been reported in the literature in individuals with KCNH2-related disease. This variant is not present in population databases (ExAC no frequency). This sequence change replaces phenylalanine with leucine at codon 513 of the KCNH2 protein (p.Phe513Leu). The phenylalanine residue is moderately conserved and there is a small physicochemical difference between phenylalanine and leucine.

NM_000238.4(KCNH2):c.1537T>C (p.Phe513Leu)

Gene: KCNH2 (potassium voltage-gated channel subfamily H member 2; minus strand). Cytogenetic location: 7q36.1.
Variant type: single nucleotide variant.
Coding change: c.1537T>C on transcript NM_000238.4 (MANE Select); coding-DNA position 1537, T replaced by C.
Protein change: p.Phe513Leu; replaces phenylalanine 513 with leucine.
Molecular consequence: missense variant.
Genome position (GRCh38, 1-based): chr7:150,952,445, A>G on the plus strand (T>C on the coding strand, the complement: KCNH2 is on the minus strand). VCF-style: chr7-150952445-A-G. GRCh37 (hg19) VCF-style: chr7-150649533-A-G.
Other names: c.517T>C, p.Phe173Leu (NM_001204798.2, NM_172057.3); c.1249T>C, p.Phe417Leu (NM_001406753.1, NM_001406756.1); c.1360T>C, p.Phe454Leu (NM_001406755.1); c.1237T>C, p.Phe413Leu (NM_001406757.1); c.1537T>C, p.Phe513Leu (NM_172056.3); short protein forms F173L, F513L, F413L, F417L, F454L.
Identifiers: ClinVar variation 567702 (VCV000567702.11), dbSNP rs1563159718, ClinGen allele CA369859470.